The following is an entry in ClinVar:

NM_022124.6(CDH23):c.4432G>A (p.Glu1478Lys)

Gene: CDH23 (cadherin related 23; plus strand). Cytogenetic location: 10q22.1.
Variant type: single nucleotide variant.
Coding change: c.4432G>A on transcript NM_022124.6 (MANE Select); coding-DNA position 4432, G replaced by A.
Protein change: p.Glu1478Lys; replaces glutamic acid 1478 with lysine.
Molecular consequence: missense variant.
Genome position (GRCh38, 1-based): chr10:71,739,716, G>A. VCF-style: chr10-71739716-G-A. GRCh37 (hg19) VCF-style: chr10-73499473-G-A.
Other names: c.4432G>A (NM_022124.5); short protein forms E1478K.
Identifiers: ClinVar variation 2140156 (VCV002140156.35), dbSNP rs368798550, ClinGen allele CA5545045.

ClinVar aggregate classification (germline): Uncertain significance. Review status: criteria provided, multiple submitters, no conflicts (2 of 4 stars). 4 submissions from 4 submitters: Uncertain significance (4). Last evaluated 2025-08-02.

Allele frequency attached by ClinVar (database versions not stated): gnomAD 0.00005; TOPMed 0.00007; ESP Exome Variant Server 0.00008; gnomAD exomes 0.00008; ExAC 0.00011; 1000 Genomes Project 30x 0.00016; 1000 Genomes Project 0.00020.
gnomAD v4.1: 122 of 1,613,440 alleles (0.0076%); highest among the groups gnomAD compares: Admixed American, 0.023%; no homozygotes.

Submissions (4):

GeneDx
Classification: Uncertain significance. Last evaluated: 2025-08-02. Review status: criteria provided, single submitter. Criteria: GeneDx Variant Classification Process June 2021. Collection method: clinical testing. Allele origin: germline.
Comment: In silico analysis suggests that this missense variant does not alter protein structure/function; Has not been previously published as pathogenic or benign to our knowledge

Labcorp Genetics (formerly Invitae), Labcorp
Classification: Uncertain significance. Last evaluated: 2024-12-02. Review status: criteria provided, single submitter. Criteria: Invitae Variant Classification Sherloc (09022015). Collection method: clinical testing. Allele origin: germline.
Comment: This sequence change replaces glutamic acid, which is acidic and polar, with lysine, which is basic and polar, at codon 1478 of the CDH23 protein (p.Glu1478Lys). This variant is present in population databases (rs368798550, gnomAD 0.03%). This variant has not been reported in the literature in individuals affected with CDH23-related conditions. ClinVar contains an entry for this variant (Variation ID: 2140156). Invitae Evidence Modeling of protein sequence and biophysical properties (such as structural, functional, and spatial information, amino acid conservation, physicochemical variation, residue mobility, and thermodynamic stability) has been performed for this missense variant. However, the output from this modeling did not meet the statistical confidence thresholds required to predict the impact of this variant on CDH23 protein function. In summary, the available evidence is currently insufficient to determine the role of this variant in disease. Therefore, it has been classified as a Variant of Uncertain Significance.

CeGaT Center for Human Genetics Tuebingen
Classification: Uncertain significance. Last evaluated: 2023-02-01. Review status: criteria provided, single submitter. Criteria: CeGaT Center For Human Genetics Tuebingen Variant Classification Criteria Version 2. Collection method: clinical testing. Allele origin: germline. Affected: yes. Observed: 1 variant allele.

Revvity Omics, Revvity
Classification: Uncertain significance. Last evaluated: 2022-02-17. Review status: criteria provided, single submitter. Criteria: ACMG Guidelines, 2015. Collection method: clinical testing. Allele origin: germline.